The following is an entry in ClinVar:

ClinVar aggregate classification (germline): Uncertain significance (1 of 4 stars; one submission).

Submission:

GeneDx
Classification: Uncertain significance. Last evaluated: 2019-08-01. Review status: criteria provided, single submitter. Criteria: GeneDx Variant Classification Process June 2021. Collection method: clinical testing. Allele origin: germline. Affected: yes.
Comment: Has not been previously published as pathogenic or benign to our knowledge; Not observed in large population cohorts (Lek et al., 2016); In silico analysis, which includes protein predictors and evolutionary conservation, supports that this variant does not alter protein structure/function

NM_001148.6(ANK2):c.8317G>T (p.Asp2773Tyr)

Gene: ANK2 (ankyrin 2; plus strand). Cytogenetic location: 4q26.
Variant type: single nucleotide variant.
Coding change: c.8317G>T on transcript NM_001148.6 (MANE Select); coding-DNA position 8317, G replaced by T.
Protein change: p.Asp2773Tyr; replaces aspartic acid 2773 with tyrosine.
Molecular consequence: missense variant. On other transcripts: intron variant (68).
Genome position (GRCh38, 1-based): chr4:113,356,935, G>T. VCF-style: chr4-113356935-G-T. GRCh37 (hg19) VCF-style: chr4-114278091-G-T.
Other names: c.8083G>T, p.Asp2695Tyr (NM_001386142.1); c.4717G>T, p.Asp1573Tyr (NM_001386166.1); c.8458G>T, p.Asp2820Tyr (NM_001386174.1); c.8434G>T, p.Asp2812Tyr (NM_001386175.1); c.4412-3888G>T (NM_001386186.2, NM_001386148.2); c.4214-3888G>T (NM_001354269.3); c.4292-3888G>T (NM_001386187.2); c.4253-3888G>T (NM_001386147.1); and 35 more; short protein forms D1573Y, D2695Y, D2773Y, D2812Y, D2820Y.
Identifiers: ClinVar variation 1316185 (VCV001316185.2), dbSNP rs2095821107, ClinGen allele CA357933787.
Genomic context (GRCh38, chr4:113,356,935, plus strand): 5'-GAGGCTGAAGACAGGTCTTATGATAAGCTAAACAGAGACACTGATCAGCCAAAAATCTGT[G>T]ATGGCCATGGATGTGAGGCCATGAGTCCTAGCAGCTCAGCTGCTCCTGTCTCTTCAGGTC-3'
Protein context (NP_001139.3, residues 2763-2783): NRDTDQPKIC[Asp2773Tyr]GHGCEAMSPS